The following is an entry in ClinVar:

NM_031296.3(RAB33B):c.*1751G>T

Gene: RAB33B (RAB33B, member RAS oncogene family; plus strand). Cytogenetic location: 4q31.1.
Variant type: single nucleotide variant.
Coding change: c.*1751G>T on transcript NM_031296.3 (MANE Select); 1751 bases downstream of the stop codon, G replaced by T.
Molecular consequence: 3 prime UTR variant.
Genome position (GRCh38, 1-based): chr4:139,474,877, G>T. VCF-style: chr4-139474877-G-T. GRCh37 (hg19) VCF-style: chr4-140396031-G-T.
Identifiers: ClinVar variation 347585 (VCV000347585.6), dbSNP rs114169513, ClinGen allele CA10620082.

ClinVar aggregate classification (germline): Likely benign. Review status: criteria provided, multiple submitters, no conflicts (2 of 4 stars). 2 submissions from 2 submitters: Likely benign (2). Last evaluated 2018-01-12.

Conditions:
Smith-McCort dysplasia 2 (SMC2). Identifiers: MedGen C3714896, MONDO:0014087, OMIM 615222.

Allele frequency attached by ClinVar (database versions not stated): 1000 Genomes Project 0.00100; 1000 Genomes Project 30x 0.00109; gnomAD exomes 0.00234; TOPMed 0.00501.
gnomAD v4.1: 698 of 152,614 alleles (0.46%); highest among the groups gnomAD compares: Non-Finnish European, 0.85%; 6 homozygotes.

Submissions (2):

Illumina Laboratory Services, Illumina
Classification: Likely benign for Smith-McCort dysplasia 2. Last evaluated: 2018-01-12. Review status: criteria provided, single submitter. Criteria: ICSL Variant Classification Criteria 13 December 2019. Collection method: clinical testing. Allele origin: germline.
Comment: This variant was observed in the ICSL laboratory as part of a predisposition screen in an ostensibly healthy population. It had not been previously curated by ICSL or reported in the Human Gene Mutation Database (HGMD: prior to June 1st, 2018), and was therefore a candidate for classification through an automated scoring system. Utilizing variant allele frequency, disease prevalence and penetrance estimates, and inheritance mode, an automated score was calculated to assess if this variant is too frequent to cause the disease. Based on the score and internal cut-off values, a variant classified as likely benign is not then subjected to further curation. The score for this variant resulted in a classification of likely benign for this disease.

Breakthrough Genomics
Classification: Likely benign. Review status: criteria provided, single submitter. Criteria: ACMG Guidelines, 2015. Collection method: not provided. Allele origin: germline. Inheritance: Autosomal recessive inheritance. Affected: yes.